The following is an entry in ClinVar:

ClinVar aggregate classification (germline): Uncertain significance (1 of 4 stars; one submission).

Conditions:
Cardiovascular phenotype. Identifiers: MedGen CN230736.

Submission:

Ambry Genetics
Classification: Uncertain significance for Cardiovascular phenotype. Last evaluated: 2020-01-03. Review status: criteria provided, single submitter. Criteria: Ambry Variant Classification Scheme 2023. Collection method: clinical testing. Allele origin: germline.
Comment: The p.D31H variant (also known as c.91G>C), located in coding exon 2 of the CACNB2 gene, results from a G to C substitution at nucleotide position 91. The aspartic acid at codon 31 is replaced by histidine, an amino acid with similar properties. This amino acid position is highly conserved in available vertebrate species. In addition, this alteration is predicted to be deleterious by in silico analysis. Since supporting evidence is limited at this time, the clinical significance of this alteration remains unclear.

NM_201596.3(CACNB2):c.253G>C (p.Asp85His)

Gene: CACNB2 (calcium voltage-gated channel auxiliary subunit beta 2; plus strand). Cytogenetic location: 10p12.31.
Variant type: single nucleotide variant.
Coding change: c.253G>C on transcript NM_201596.3 (MANE Select); coding-DNA position 253, G replaced by C.
Protein change: p.Asp85His; replaces aspartic acid 85 with histidine.
Molecular consequence: missense variant.
Genome position (GRCh38, 1-based): chr10:18,401,963, G>C. VCF-style: chr10-18401963-G-C. GRCh37 (hg19) VCF-style: chr10-18690892-G-C.
Other names: c.88G>C, p.Asp30His (NM_000724.4, NM_001330060.2); c.169G>C, p.Asp57His (NM_001167945.2, NM_201571.4, NM_201572.4); c.109G>C, p.Asp37His (NM_001410882.1, NM_201570.3); c.91G>C, p.Asp31His (NM_201590.3); c.253G>C, p.Asp85His (NM_201593.3, NM_201597.3); short protein forms D31H, D30H, D37H, D57H, D85H.
Identifiers: ClinVar variation 1766175 (VCV001766175.2), dbSNP rs2493267485, ClinGen allele CA376219460.
Genomic context (GRCh38, chr10:18,401,963, plus strand): 5'-AATGTACATTTTCCTCTCCAGGGTTCGGCAGACTCCTACACTAGCCGTCCATCCGATTCC[G>C]ATGTATCTCTGGAGGAGGACCGGGAGGCAGTGCGCAGAGAAGCGGAGCGGCAGGCCCAGG-3'
Protein context (NP_963890.2, residues 75-95): DSYTSRPSDS[Asp85His]VSLEEDREAV